The following is an entry in ClinVar:

NM_001005361.3(DNM2):c.1718G>A (p.Arg573His)

Gene: DNM2 (dynamin 2; plus strand). Cytogenetic location: 19p13.2.
Variant type: single nucleotide variant.
Coding change: c.1718G>A on transcript NM_001005361.3 (MANE Select); coding-DNA position 1718, G replaced by A.
Protein change: p.Arg573His; replaces arginine 573 with histidine.
Molecular consequence: missense variant.
Genome position (GRCh38, 1-based): chr19:10,820,026, G>A. VCF-style: chr19-10820026-G-A. GRCh37 (hg19) VCF-style: chr19-10930702-G-A.
Other names: c.1718G>A, p.Arg573His (NM_001005360.3, NM_001190716.2); c.1706G>A, p.Arg569His (NM_001005362.3, NM_004945.4); short protein forms R573H, R569H.
Identifiers: ClinVar variation 533831 (VCV000533831.12), dbSNP rs1555715216, ClinGen allele CA404040398.

ClinVar aggregate classification (germline): Uncertain significance. Review status: criteria provided, multiple submitters, no conflicts (2 of 4 stars). 2 submissions from 2 submitters: Uncertain significance (2). Last evaluated 2026-01-01.

Conditions:
Charcot-Marie-Tooth disease dominant intermediate B (CMTDIB). Also called: Charcot-Marie-Tooth disease dominant intermediate 1; CMT DI1; Charcot-Marie-Tooth disease dominant intermediate I; CHARCOT-MARIE-TOOTH NEUROPATHY, DOMINANT INTERMEDIATE B. Identifiers: Orphanet 100044, Orphanet 228179, MedGen C1847902, MONDO:0011674, OMIM 606482.

Allele frequency attached by ClinVar (database versions not stated): gnomAD exomes below 0.00001.
gnomAD v4.1: 1 of 1,614,182 alleles (0.000062%); highest among the groups gnomAD compares: Non-Finnish European, 0.000085%; no homozygotes.

Submissions (2):

CeGaT Center for Human Genetics Tuebingen
Classification: Uncertain significance. Last evaluated: 2026-01-01. Review status: criteria provided, single submitter. Criteria: CeGaT Center For Human Genetics Tuebingen Variant Classification Criteria Version 2. Collection method: clinical testing. Allele origin: germline. Affected: yes. Observed: 1 variant allele.
Comment: DNM2: PM2, PP3

Labcorp Genetics (formerly Invitae), Labcorp
Classification: Uncertain significance for Charcot-Marie-Tooth disease dominant intermediate B. Last evaluated: 2023-12-22. Review status: criteria provided, single submitter. Criteria: Invitae Variant Classification Sherloc (09022015). Collection method: clinical testing. Allele origin: germline.
Comment: This sequence change replaces arginine, which is basic and polar, with histidine, which is basic and polar, at codon 573 of the DNM2 protein (p.Arg573His). This variant is not present in population databases (gnomAD no frequency). This variant has not been reported in the literature in individuals affected with DNM2-related conditions. ClinVar contains an entry for this variant (Variation ID: 533831). Advanced modeling of protein sequence and biophysical properties (such as structural, functional, and spatial information, amino acid conservation, physicochemical variation, residue mobility, and thermodynamic stability) has been performed at Invitae for this missense variant, however the output from this modeling did not meet the statistical confidence thresholds required to predict the impact of this variant on DNM2 protein function. In summary, the available evidence is currently insufficient to determine the role of this variant in disease. Therefore, it has been classified as a Variant of Uncertain Significance.